The following is an entry in ClinVar:

ClinVar aggregate classification (germline): Benign/Likely benign. Review status: criteria provided, multiple submitters, no conflicts (2 of 4 stars). 6 submissions from 6 submitters: Benign (5); Likely benign (1). Last evaluated 2026-01-15.

Conditions:
Ectodermal dysplasia 10A, hypohidrotic/hair/nail type, autosomal dominant (ECTD10A). Also called: Ectodermal Dysplasia 3, Anhidrotic. Identifiers: Orphanet 1810, Orphanet 238468, MedGen C3888065, MONDO:0007509, OMIM 129490.
Autosomal recessive hypohidrotic ectodermal dysplasia syndrome. Also called: Autosomal recessive hypohidrotic ectodermal dysplasia. Identifiers: Orphanet 248, MedGen C0406702, MONDO:0016619.
Hypohidrotic ectodermal dysplasia (HED). Identifiers: Orphanet 238468, MedGen C5848103, MONDO:0016535, HP:0007607.
HAIR MORPHOLOGY 1 (HRM1). Also called: HAIR THICKNESS, VARIATION IN. Identifiers: MedGen C2675460, OMIM 612630.
Ectodermal dysplasia 10B, hypohidrotic/hair/tooth type, autosomal recessive. Also called: Ectodermal Dysplasia, Hypohidrotic, Autosomal Recessive; Ectodermal dysplasia 10B, hypohidrotic/hair/tooth type, autosomal. Identifiers: Orphanet 238468, Orphanet 248, MedGen C3887494, MONDO:0009147, OMIM 224900.

Allele frequency attached by ClinVar (database versions not stated): ESP Exome Variant Server 0.00600; gnomAD exomes 0.00795 and 0.00725; gnomAD 0.00493 and 0.00566; 1000 Genomes Project 0.01198; 1000 Genomes Project 30x 0.01218; TOPMed 0.00579; ExAC 0.00834.
gnomAD v4.1: 11,453 of 1,613,616 alleles (0.71%); highest among the groups gnomAD compares: East Asian, 3%; 89 homozygotes.

Submissions (6):

Labcorp Genetics (formerly Invitae), Labcorp
Classification: Benign for Ectodermal dysplasia 10A, hypohidrotic/hair/nail type, autosomal dominant; Autosomal recessive hypohidrotic ectodermal dysplasia syndrome. Last evaluated: 2026-01-15. Review status: criteria provided, single submitter. Criteria: Invitae Variant Classification Sherloc (09022015). Collection method: clinical testing. Allele origin: germline.

Fulgent Genetics
Classification: Likely benign for Ectodermal dysplasia 10A, hypohidrotic/hair/nail type, autosomal dominant; Ectodermal dysplasia 10B, hypohidrotic/hair/tooth type, autosomal recessive; HAIR MORPHOLOGY 1. Last evaluated: 2022-02-17. Review status: criteria provided, single submitter. Criteria: ACMG Guidelines, 2015. Collection method: clinical testing. Allele origin: unknown.

Illumina Laboratory Services, Illumina
Classification: Benign for Hypohidrotic ectodermal dysplasia. Last evaluated: 2018-01-13. Review status: criteria provided, single submitter. Criteria: ICSL Variant Classification Criteria 13 December 2019. Collection method: clinical testing. Allele origin: germline.
Comment: This variant was observed in the ICSL laboratory as part of a predisposition screen in an ostensibly healthy population. It had not been previously curated by ICSL or reported in the Human Gene Mutation Database (HGMD: prior to June 1st, 2018), and was therefore a candidate for classification through an automated scoring system. Utilizing variant allele frequency, disease prevalence and penetrance estimates, and inheritance mode, an automated score was calculated to assess if this variant is too frequent to cause the disease. Based on the score and internal cut-off values, a variant classified as benign is not then subjected to further curation. The score for this variant resulted in a classification of benign for this disease.

GeneDx
Classification: Benign. Last evaluated: 2015-03-03. Review status: criteria provided, single submitter. Criteria: GeneDx Variant Classification Process June 2021. Collection method: clinical testing. Allele origin: germline. Affected: yes.

Breakthrough Genomics
Classification: Benign. Review status: criteria provided, single submitter. Criteria: ACMG Guidelines, 2015. Collection method: not provided. Allele origin: germline. Inheritance: Autosomal recessive inheritance. Affected: yes.

PreventionGenetics, part of Exact Sciences
Classification: Benign. Review status: criteria provided, single submitter. Criteria: ACMG Guidelines, 2015. Collection method: clinical testing. Allele origin: germline.

NM_022336.4(EDAR):c.870C>T (p.Pro290=)

Genes: EDAR (ectodysplasin A receptor; minus strand), RANBP2 (RAN binding protein 2; plus strand). Cytogenetic location: 2q13.
Variant type: single nucleotide variant.
Coding change: c.870C>T on transcript NM_022336.4 (MANE Select); coding-DNA position 870, C replaced by T.
Protein change: p.Pro290=; no amino-acid change (proline 290 retained).
Molecular consequence: synonymous variant.
Genome position (GRCh38, 1-based): chr2:108,907,953, G>A on the plus strand (C>T on the coding strand, the complement: EDAR is on the minus strand). VCF-style: chr2-108907953-G-A. GRCh37 (hg19) VCF-style: chr2-109524409-G-A.
Identifiers: ClinVar variation 261574 (VCV000261574.19), dbSNP rs3749099, ClinGen allele CA1824900.